The following is an entry in ClinVar:

NM_001148.6(ANK2):c.2376+20C>T

Gene: ANK2 (ankyrin 2; plus strand). Cytogenetic location: 4q26.
Variant type: single nucleotide variant.
Coding change: c.2376+20C>T on transcript NM_001148.6 (MANE Select); 20 bases into the intron after coding-DNA position 2376, C replaced by T.
Molecular consequence: intron variant.
Genome position (GRCh38, 1-based): chr4:113,292,534, C>T. VCF-style: chr4-113292534-C-T. GRCh37 (hg19) VCF-style: chr4-114213690-C-T.
Other names: c.2364+20C>T (NM_001386186.2, NM_001386148.2); c.2166+20C>T (NM_001354269.3); c.2340+20C>T (NM_001386187.2); c.2334+20C>T (NM_001386147.1, NM_001386160.1, NM_001354261.2); c.2313+20C>T (NM_001354254.2, NM_001354239.2, NM_001354252.2 and 10 more transcripts); c.2214+20C>T (NM_001354253.2, NM_001354270.2, NM_001354257.2 and 1 more transcripts); c.2289+20C>T (NM_001354249.2, NM_001354266.2, NM_001354276.2 and 10 more transcripts); c.2190+20C>T (NM_001386151.1, NM_001354260.2, NM_001354271.2); and 8 more.
Identifiers: ClinVar variation 513381 (VCV000513381.5), dbSNP rs767816261, ClinGen allele CA3050532.

ClinVar aggregate classification (germline): Likely benign. Review status: criteria provided, multiple submitters, no conflicts (2 of 4 stars). 2 submissions from 2 submitters: Likely benign (2). Last evaluated 2021-12-10.

Conditions:
Long QT syndrome (LQTS). Identifiers: MedGen C0023976, MeSH D008133, MONDO:0002442. Disease mechanism: loss of function. Inheritance: Various modes of inheritance.

Allele frequency attached by ClinVar (database versions not stated): gnomAD exomes 0.00001; ExAC 0.00002.
gnomAD v4.1: 2 of 1,577,266 alleles (0.00013%); highest among the groups gnomAD compares: Admixed American, 0.0035%; no homozygotes.

Submissions (2):

Labcorp Genetics (formerly Invitae), Labcorp
Classification: Likely benign for Long QT syndrome. Last evaluated: 2021-12-10. Review status: criteria provided, single submitter. Criteria: Invitae Variant Classification Sherloc (09022015). Collection method: clinical testing. Allele origin: germline.

GeneDx
Classification: Likely benign. Last evaluated: 2017-11-16. Review status: criteria provided, single submitter. Criteria: GeneDx Variant Classification (06012015). Collection method: clinical testing. Allele origin: germline. Affected: yes.
Comment: This variant is considered likely benign or benign based on one or more of the following criteria: it is a conservative change, it occurs at a poorly conserved position in the protein, it is predicted to be benign by multiple in silico algorithms, and/or has population frequency not consistent with disease.